The following is an entry in ClinVar:

NM_000219.6(KCNE1):c.320A>G (p.Tyr107Cys)

Gene: KCNE1 (potassium voltage-gated channel subfamily E regulatory subunit 1; minus strand). Cytogenetic location: 21q22.12.
Variant type: single nucleotide variant.
Coding change: c.320A>G on transcript NM_000219.6 (MANE Select); coding-DNA position 320, A replaced by G.
Protein change: p.Tyr107Cys; replaces tyrosine 107 with cysteine.
Molecular consequence: missense variant.
Genome position (GRCh38, 1-based): chr21:34,449,315, T>C on the plus strand (A>G on the coding strand, the complement: KCNE1 is on the minus strand). VCF-style: chr21-34449315-T-C. GRCh37 (hg19) VCF-style: chr21-35821613-T-C.
Other names: c.320A>G, p.Tyr107Cys (NM_001127668.4, NM_001127669.4, NM_001127670.4 and 4 more transcripts); short protein forms Y107C.
Identifiers: ClinVar variation 3374630 (VCV003374630.2).

Conditions:
Long QT syndrome 5 (LQT5). Identifiers: Orphanet 101016, Orphanet 768, MedGen C1867904, MONDO:0013372, OMIM 613695.

Submission:

Roden Lab, Vanderbilt University Medical Center
No classification provided (evidence only). Condition: Long QT syndrome 5. Review status: no classification provided. Collection method: in vitro. Allele origin: not applicable. Functional consequence: Effect on ion channel function.
ClinVar note: "not provided" was previously submitted as the classification for the variant. However, the classification appeared to be based only on an observation of functional data so it was converted to no classification on 2025-07-30.